The following is an entry in ClinVar:

ClinVar aggregate classification (germline): Benign (1 of 4 stars; one submission).

Conditions:
Hereditary diffuse gastric adenocarcinoma (HDGC). Also called: DIFFUSE GASTRIC AND LOBULAR BREAST CANCER SYNDROME. Identifiers: Orphanet 26106, MedGen C1708349, MONDO:0007648, OMIM 137215.

gnomAD v4.1: 1 of 1,614,100 alleles (0.000062%); highest among the groups gnomAD compares: Non-Finnish European, 0.000085%; no homozygotes.

Submission:

Myriad Genetics, Inc.
Classification: Benign for Hereditary diffuse gastric adenocarcinoma. Last evaluated: 2024-09-20. Review status: criteria provided, single submitter. Criteria: Myriad Autosomal Dominant, Autosomal Recessive and X-Linked Classification Criteria (2023). Collection method: clinical testing. Allele origin: unknown.
Comment: This variant is considered benign. This variant is a silent/synonymous amino acid change and it is not expected to impact splicing.

NM_004360.5(CDH1):c.1788A>G (p.Glu596=)

Gene: CDH1 (cadherin 1; plus strand). Cytogenetic location: 16q22.1.
Variant type: single nucleotide variant.
Coding change: c.1788A>G on transcript NM_004360.5 (MANE Select); coding-DNA position 1788, A replaced by G.
Protein change: p.Glu596=; no amino-acid change (glutamic acid 596 retained).
Molecular consequence: synonymous variant. On other transcripts: 5 prime UTR variant (1).
Genome position (GRCh38, 1-based): chr16:68,822,077, A>G. VCF-style: chr16-68822077-A-G. GRCh37 (hg19) VCF-style: chr16-68855980-A-G.
Other names: c.1605A>G, p.Glu535= (NM_001317184.2); c.240A>G, p.Glu80= (NM_001317185.2); c.-178A>G (NM_001317186.2).
Identifiers: ClinVar variation 3378583 (VCV003378583.1).
Genomic context (GRCh38, chr16:68,822,077, plus strand): 5'-TGGAACAGGGACACTTCTGCTGATCCTGTCTGATGTGAATGACAACGCCCCCATACCAGA[A>G]CCTCGAACTATATTCTTCTGTGAGAGGAATCCAAAGCCTCAGGTCATAAACATCATTGAT-3'
Protein context (NP_004351.1, residues 586-606): SDVNDNAPIP[Glu596=]PRTIFFCERN